The following is an entry in ClinVar:

ClinVar aggregate classification (germline): Conflicting classifications of pathogenicity. Review status: criteria provided, conflicting classifications (1 of 4 stars). 10 submissions from 9 submitters: Uncertain significance (5); Benign (1); Likely benign (1). 3 of the submissions do not count toward it. Last evaluated 2026-01-31.

Conditions:
Optic atrophy. Identifiers: MedGen C0029124, MONDO:0003608, HP:0000648.
Retinal dystrophy. Also called: Inherited retinal dystrophy. Identifiers: Orphanet 71862, MedGen C0854723, MeSH D058499, MONDO:0019118, HP:0000556.
Severe early-childhood-onset retinal dystrophy (STGD1). Also called: MACULAR DYSTROPHY WITH FLECKS, TYPE 1; STGD; Stargardt disease 1; Stargardt macular dystrophy; Juvenile onset macular degeneration. Identifiers: Orphanet 364055, Orphanet 827, MedGen C1855465, MeSH D000080362, MONDO:0009549, OMIM 248200.

Allele frequency attached by ClinVar (database versions not stated): gnomAD exomes 0.00040 and 0.00108; gnomAD 0.00358 and 0.00385; TOPMed 0.00417; ESP Exome Variant Server 0.00415; 1000 Genomes Project 30x 0.00500; ExAC 0.00133; 1000 Genomes Project 0.00459.
gnomAD v4.1: 1,170 of 1,614,186 alleles (0.072%); highest among the groups gnomAD compares: African/African-American, 1.3%; 7 homozygotes.

Submissions (10):

Labcorp Genetics (formerly Invitae), Labcorp
Classification: Benign. Last evaluated: 2026-01-31. Review status: criteria provided, single submitter. Criteria: Invitae Variant Classification Sherloc (09022015). Collection method: clinical testing. Allele origin: germline.

Blueprint Genetics
Classification: Uncertain significance. Last evaluated: 2024-11-22. Review status: criteria provided, single submitter. Criteria: ACMG Guidelines, 2015. Collection method: clinical testing. Allele origin: germline.

Institute of Human Genetics, Univ. Regensburg, Univ. Regensburg
Classification: Uncertain significance for Optic atrophy. Last evaluated: 2023-01-01. Review status: criteria provided, single submitter. Criteria: ACMG Guidelines, 2015. Collection method: clinical testing. Allele origin: germline. Affected: yes.

Institute of Human Genetics, Univ. Regensburg, Univ. Regensburg
Classification: Uncertain significance for Retinal dystrophy. Last evaluated: 2023-01-01. Review status: criteria provided, single submitter. Criteria: ACMG Guidelines, 2015. Collection method: clinical testing. Allele origin: germline. Affected: yes.

ARUP Laboratories, Molecular Genetics and Genomics, ARUP Laboratories
Classification: Uncertain significance. Last evaluated: 2019-12-10. Review status: criteria provided, single submitter. Criteria: ARUP Molecular Germline Variant Investigation Process. Collection method: clinical testing. Allele origin: germline.
Comment: The ABCA4 c.2546T>C; p.Val849Ala variant (rs61749435) is reported in the literature in multiple individuals affected with Stargardt disease or related retinopathies, although these studies do not agree on the variantâ€™s clinical significance (Cideciyan 2004, Fujinami 2019, Kersten 2018, Lee 2015, Thiadens 2012, Webster 2001). Several affected individuals with the p.Val849Ala variant carried an additional pathogenic variant (Fujinami 2019, Cideciyan 2004), although one individual was found with two other pathogenic ABCA4 variants that may have explained this individualâ€™s disease (Lee 2015). The p.Val849Ala variant is found in the African population with an overall allele frequency of 1.3% (324/24946 alleles, including five homozygotes) in the Genome Aggregation Database. The valine at codon 849 is weakly conserved, but computational analyses (SIFT: damaging, PolyPhen-2: benign) predict conflicting effects of this variant on protein structure/function. Due to conflicting information, the clinical significance of the p.Val849Ala variant is uncertain at this time. References: Cideciyan AV et al. Mutations in ABCA4 result in accumulation of lipofuscin before slowing of the retinoid cycle: a reappraisal of the human disease sequence. Hum Mol Genet. 2004 Mar 1;13(5):525-34. Fujinami K et al. Detailed genetic characteristics of an international large cohort of patients with Stargardt disease: ProgStar study report 8. Br J Ophthalmol. 2019 Mar;103(3):390-397. Kersten E et al. Genetic screening for macular dystrophies in patients clinically diagnosed with dry age-related macular degeneration. Clin Genet. 2018 Dec;94(6):569-574. Lee K et al. High Diagnostic Yield of Whole Exome Sequencing in Participants With Retinal Dystrophies in a Clinical Ophthalmology Setting. Am J Ophthalmol. 2015 Aug;160(2):354-363.e9. Thiadens AA et al. Clinical course, genetic etiology, and visual outcome in cone and cone-rod dystrophy. Ophthalmology. 2012 Apr;119(4):819-26. Webster AR et al. An analysis of allelic variation in the ABCA4 gene. Invest Ophthalmol Vis Sci. 2001 May;42(6):1179-89.

Mendelics
Classification: Uncertain significance for Severe early-childhood-onset retinal dystrophy. Last evaluated: 2019-05-28. Review status: criteria provided, single submitter. Criteria: Mendelics Assertion Criteria 2017. Collection method: clinical testing. Allele origin: unknown.

GeneDx
Classification: Likely benign. Last evaluated: 2019-02-27. Review status: criteria provided, single submitter. Criteria: GeneDx Variant Classification Process June 2021. Collection method: clinical testing. Allele origin: germline. Affected: yes.
Comment: This variant is associated with the following publications: (PMID: 11328725, 22264887, 25910913, 30215852, 29925512, 32619608, 15223829, 24011517, 14971589, 20935302, 25066811, 16917483, 14709597)

Clinical Genetics, Academic Medical Center
Classification: Uncertain significance. Review status: no assertion criteria provided. Collection method: clinical testing. Allele origin: germline. Affected: yes. Study: VKGL Data-share Consensus. Not counted in ClinVar's aggregate classification.

Joint Genome Diagnostic Labs from Nijmegen and Maastricht, Radboudumc and MUMC+
Classification: Uncertain significance. Review status: no assertion criteria provided. Collection method: clinical testing. Allele origin: germline. Affected: yes. Study: VKGL Data-share Consensus. Not counted in ClinVar's aggregate classification.

Retina International
No classification provided. Review status: no classification provided. Collection method: not provided. Allele origin: unknown. Not counted in ClinVar's aggregate classification.

Literature cited by the submitters: PubMed 11328725 (cited by Institute of Human Genetics, Univ. Regensburg, Univ. Regensburg); PubMed 22264887 (cited by Institute of Human Genetics, Univ. Regensburg, Univ. Regensburg); PubMed 25910913 (cited by Institute of Human Genetics, Univ. Regensburg, Univ. Regensburg); PubMed 30215852 (cited by Institute of Human Genetics, Univ. Regensburg, Univ. Regensburg); PubMed 29925512 (cited by Institute of Human Genetics, Univ. Regensburg, Univ. Regensburg); PubMed 32619608 (cited by Institute of Human Genetics, Univ. Regensburg, Univ. Regensburg); PubMed 33375396 (cited by Institute of Human Genetics, Univ. Regensburg, Univ. Regensburg); PubMed 32307445 (cited by Institute of Human Genetics, Univ. Regensburg, Univ. Regensburg); PubMed 32531858 (cited by Institute of Human Genetics, Univ. Regensburg, Univ. Regensburg).

NM_000350.3(ABCA4):c.2546T>C (p.Val849Ala)

Gene: ABCA4 (ATP binding cassette subfamily A member 4; minus strand). Cytogenetic location: 1p22.1.
Variant type: single nucleotide variant.
Coding change: c.2546T>C on transcript NM_000350.3 (MANE Select); coding-DNA position 2546, T replaced by C.
Protein change: p.Val849Ala; replaces valine 849 with alanine.
Molecular consequence: missense variant.
Genome position (GRCh38, 1-based): chr1:94,055,152, A>G on the plus strand (T>C on the coding strand, the complement: ABCA4 is on the minus strand). VCF-style: chr1-94055152-A-G. GRCh37 (hg19) VCF-style: chr1-94520708-A-G.
Other names: c.2324T>C, p.Val775Ala (NM_001425324.1); short protein forms V849A, V775A.
Identifiers: ClinVar variation 99141 (VCV000099141.31), dbSNP rs61749435, ClinGen allele CA227008.